The following is an entry in ClinVar:

NM_001100.4(ACTA1):c.414C>G (p.Ile138Met)

Gene: ACTA1 (actin alpha 1, skeletal muscle; minus strand). Cytogenetic location: 1q42.13.
Variant type: single nucleotide variant.
Coding change: c.414C>G on transcript NM_001100.4 (MANE Select); coding-DNA position 414, C replaced by G.
Protein change: p.Ile138Met; replaces isoleucine 138 with methionine.
Molecular consequence: missense variant.
Genome position (GRCh38, 1-based): chr1:229,432,596, G>C on the plus strand (C>G on the coding strand, the complement: ACTA1 is on the minus strand). VCF-style: chr1-229432596-G-C. GRCh37 (hg19) VCF-style: chr1-229568343-G-C.
Other names: I136M; NM_001100.4(ACTA1):c.414C>G; short protein forms I138M.
Identifiers: ClinVar variation 18286 (VCV000018286.7), dbSNP rs121909526, ClinGen allele CA258142.

ClinVar aggregate classification (germline): Likely pathogenic. Review status: reviewed by expert panel (3 of 4 stars). 3 submissions from 3 submitters: Likely pathogenic (1). 2 of the submissions do not count toward it. Last evaluated 2024-08-27.

Conditions:
Alpha-actinopathy. Also called: Actinopathy. Identifiers: MedGen CN295279, MONDO:0100084.
Actin accumulation myopathy (CMYO2A). Also called: Nemaline myopathy type 3; Myopathy, actin, congenital, with excess of thin myofilaments; CONGENITAL MYOPATHY 2A, TYPICAL, AUTOSOMAL DOMINANT; Myopathy, actin, congenital, with cores; Nemaline myopathy 3, with intranuclear rods. Identifiers: Orphanet 98904, MedGen C3711389, MONDO:0008070, OMIM 161800.

Submissions (3):

ClinGen Congenital Myopathies Variant Curation Expert Panel, ClinGen
Classification: Likely pathogenic for Alpha-actinopathy. Last evaluated: 2024-08-27. Review status: reviewed by expert panel. Criteria: ClinGen CongenMyopathy ACMG Specifications ACTA1_AD_ V2.0.0. Collection method: curation. Allele origin: germline. Inheritance: Autosomal dominant inheritance.
Comment: The variant NM_001100.4:c.414C>G in ACTA1 is a missense variant predicted to cause substitution of isoleucine by methionine at amino acid 138 (p.Ile138Met). The variant is absent from gnomAD v4.1.0 (PM2_Supporting). The REVEL computational prediction analysis tool produced a score of 0.799, which is above the threshold necessary to apply PP3. ACTA1, in which the variant was identified, is defined by the ClinGen Congenital Myopathies VCEP as a gene that has a low rate of benign missense variation and where pathogenic missense variants are a common mechanism of disease (PP2). In addition, functional studies have demonstrated that this variant severely reduces co-polymerization compared to wild-type actin, and reduces flight ability in Drosophila (PS3; PMIDs: 15226407, 23294764). This variant has been reported in one proband, who has nemaline rods and thin filament accumulation present on muscle biopsy (PP4_Moderate; PMIDs: 11333380, 10838259). In summary, the variant meets criteria to be classified as likely pathogenic for autosomal dominant alpha-actinopathy. ACMG/AMP criteria met, as specified by the congenital myopathies VCEP: PS3, PP4_Moderate, PM2_Supporting, PP2, PP3, (ClinGen Congenital Myopathies VCEP specifications version 2; 08/27/2024).

Labcorp Genetics (formerly Invitae), Labcorp
Classification: Pathogenic for Actin accumulation myopathy. Last evaluated: 2023-10-16. Review status: criteria provided, single submitter. Criteria: Invitae Variant Classification Sherloc (09022015). Collection method: clinical testing. Allele origin: germline. Not counted in ClinVar's aggregate classification.
Comment: This sequence change replaces isoleucine, which is neutral and non-polar, with methionine, which is neutral and non-polar, at codon 138 of the ACTA1 protein (p.Ile138Met). This variant is not present in population databases (gnomAD no frequency). This missense change has been observed in individual(s) with autosomal dominant nemaline myopathy and/or clinical features of autosomal dominant ACTA1-related conditions (PMID: 10838259, 11333380; Invitae). In at least one individual the variant was observed to be de novo. This variant is also known as I136M. ClinVar contains an entry for this variant (Variation ID: 18286). Advanced modeling of protein sequence and biophysical properties (such as structural, functional, and spatial information, amino acid conservation, physicochemical variation, residue mobility, and thermodynamic stability) performed at Invitae indicates that this missense variant is not expected to disrupt ACTA1 protein function. Experimental studies have shown that this missense change affects ACTA1 function (PMID: 15226407, 23294764). This variant disrupts the p.Ile138 amino acid residue in ACTA1. Other variant(s) that disrupt this residue have been observed in individuals with ACTA1-related conditions (PMID: 11333380, 19562689), which suggests that this may be a clinically significant amino acid residue. For these reasons, this variant has been classified as Pathogenic.

OMIM
Classification: Pathogenic for CONGENITAL MYOPATHY 2A, TYPICAL, AUTOSOMAL DOMINANT. Last evaluated: 2001-06-01. Review status: no assertion criteria provided. Collection method: literature only. Allele origin: germline. Not counted in ClinVar's aggregate classification.

Literature cited by the submitters: PubMed 10838259 (cited by Labcorp Genetics (formerly Invitae), Labcorp); PubMed 11333380 (cited by Labcorp Genetics (formerly Invitae), Labcorp and OMIM); PubMed 15226407 (cited by Labcorp Genetics (formerly Invitae), Labcorp); PubMed 23294764 (cited by Labcorp Genetics (formerly Invitae), Labcorp); PubMed 19562689 (cited by Labcorp Genetics (formerly Invitae), Labcorp); PubMed 22825594 (cited by OMIM).